The following is an entry in ClinVar:

ClinVar aggregate classification (germline): Pathogenic (1 of 4 stars; one submission).

Submission:

Labcorp Genetics (formerly Invitae), Labcorp
Classification: Pathogenic. Last evaluated: 2025-09-16. Review status: criteria provided, single submitter. Criteria: Invitae Variant Classification Sherloc (09022015). Collection method: clinical testing. Allele origin: germline.
Comment: This sequence change creates a premature translational stop signal (p.Cys324Trpfs*19) in the MBD4 gene. It is expected to result in an absent or disrupted protein product. Loss-of-function variants in MBD4 are known to be pathogenic (PMID: 30049810, 35460607). This variant is not present in population databases (gnomAD no frequency). This variant has not been reported in the literature in individuals affected with MBD4-related conditions. For these reasons, this variant has been classified as Pathogenic.

Literature cited by the submitters: PubMed 30049810; PubMed 35460607.

NM_001276270.2(MBD4):c.969_988del (p.Cys324fs)

Gene: MBD4 (methyl-CpG binding domain 4, DNA glycosylase; minus strand). Cytogenetic location: 3q21.3.
Variant type: Deletion.
Coding change: c.969_988del on transcript NM_001276270.2 (MANE Select); coding-DNA positions 969 to 988, 20 bases deleted (TTGTTCTGAACAAAAAACTT).
Protein change: p.Cys324fs; shifts the reading frame from cysteine 324.
Molecular consequence: frameshift variant. On other transcripts: intron variant (1).
Genome position (GRCh38, 1-based): chr3:129,436,656-129,436,675, AAGTTTTTTGTTCAGAACAA deleted on the plus strand (TTGTTCTGAACAAAAAACTT on the coding strand, the reverse complement: MBD4 is on the minus strand); deleting any 20 consecutive bases within chr3:129,436,656-129,436,677 gives the same sequence; the c. name uses the placement nearest the transcript's 3' end. VCF-style (leftmost placement, unchanged base first): chr3-129436655-GAAGTTTTTTGTTCAGAACAA-G. GRCh37 (hg19) VCF-style: chr3-129155498-GAAGTTTTTTGTTCAGAACAA-G.
Other names: c.969_988del, p.Cys324fs (NM_001276271.2, NM_001276272.2, NM_003925.3); c.247+1133_247+1152del (NM_001276273.2); short protein forms C324fs.
Identifiers: ClinVar variation 4727275 (VCV004727275.1).